The following is an entry in ClinVar:

NM_001407.3(CELSR3):c.5372T>C (p.Leu1791Pro)

Gene: CELSR3 (cadherin EGF LAG seven-pass G-type receptor 3; minus strand). Cytogenetic location: 3p21.31.
Variant type: single nucleotide variant.
Coding change: c.5372T>C on transcript NM_001407.3 (MANE Select); coding-DNA position 5372, T replaced by C.
Protein change: p.Leu1791Pro; replaces leucine 1791 with proline.
Molecular consequence: missense variant.
Genome position (GRCh38, 1-based): chr3:48,653,695, A>G on the plus strand (T>C on the coding strand, the complement: CELSR3 is on the minus strand). VCF-style: chr3-48653695-A-G. GRCh37 (hg19) VCF-style: chr3-48691128-A-G.
Other names: short protein forms L1791P.
Identifiers: ClinVar variation 1701457 (VCV001701457.31), dbSNP rs2106714314, ClinGen allele CA352751535.

ClinVar aggregate classification (germline): Uncertain significance (1 of 4 stars; one submission).

Submission:

CeGaT Center for Human Genetics Tuebingen
Classification: Uncertain significance. Last evaluated: 2022-07-01. Review status: criteria provided, single submitter. Criteria: CeGaT Center For Human Genetics Tuebingen Variant Classification Criteria Version 2. Collection method: clinical testing. Allele origin: germline. Affected: yes. Observed: 1 variant allele.
Comment: CELSR3: PM2, PP2